The following is an entry in ClinVar:

NM_015662.3(IFT172):c.4914G>A (p.Pro1638=)

Genes: IFT172 (intraflagellar transport 172; minus strand), KRTCAP3 (keratinocyte associated protein 3; plus strand). Cytogenetic location: 2p23.3.
Variant type: single nucleotide variant.
Coding change: c.4914G>A on transcript NM_015662.3 (MANE Select); coding-DNA position 4914, G replaced by A.
Protein change: p.Pro1638=; no amino-acid change (proline 1638 retained).
Molecular consequence: synonymous variant. On other transcripts: intron variant (1).
Genome position (GRCh38, 1-based): chr2:27,445,745, C>T on the plus strand (G>A on the coding strand, the complement: IFT172 is on the minus strand). VCF-style: chr2-27445745-C-T. GRCh37 (hg19) VCF-style: chr2-27668612-C-T.
Other names: c.4848G>A, p.Pro1616= (NM_001410739.1); c.*6-556C>T (NM_001168364.2).
Identifiers: ClinVar variation 1394843 (VCV001394843.7), dbSNP rs374531022, ClinGen allele CA1579430.
Genomic context (GRCh38, chr2:27,445,745, plus strand): 5'-TCCCTCCTCAAGGCACTCACACTGGTGAGGCCTTCCGGTTTTCCAACCCTGTGCCCTTAC[C>T]GGTACATGCTGCTTAGCTGGGAGTGGCACCTCAAAGGGAATGTCTGTATCCTGAAAATCA-3'
Protein context (NP_056477.1, residues 1628-1648): EVPLPAKQHV[Pro1638=]EAEREEVRDW

ClinVar aggregate classification (germline): Uncertain significance (1 of 4 stars; one submission).

Conditions:
Short-rib thoracic dysplasia 10 with or without polydactyly (SRTD10). Identifiers: Orphanet 474, MedGen C3810175, MONDO:0014284, OMIM 615630.
Retinitis pigmentosa 71 (RP71). Identifiers: Orphanet 791, MedGen C4225342, MONDO:0014618, OMIM 616394.

Allele frequency attached by ClinVar (database versions not stated): ExAC 0.00002; gnomAD exomes 0.00001 and below 0.00001; gnomAD 0.00003; ESP Exome Variant Server 0.00015.
gnomAD v4.1: 8 of 1,614,052 alleles (0.0005%); highest among the groups gnomAD compares: African/African-American, 0.004%; no homozygotes.

Submission:

Labcorp Genetics (formerly Invitae), Labcorp
Classification: Uncertain significance for Retinitis pigmentosa 71; Short-rib thoracic dysplasia 10 with or without polydactyly. Last evaluated: 2022-03-10. Review status: criteria provided, single submitter. Criteria: Invitae Variant Classification Sherloc (09022015). Collection method: clinical testing. Allele origin: germline.
Comment: This variant is present in population databases (rs374531022, gnomAD 0.004%). This variant has not been reported in the literature in individuals affected with IFT172-related conditions. Variants that disrupt the consensus splice site are a relatively common cause of aberrant splicing (PMID: 17576681, 9536098). Algorithms developed to predict the effect of sequence changes on RNA splicing suggest that this variant may disrupt the consensus splice site. In summary, the available evidence is currently insufficient to determine the role of this variant in disease. Therefore, it has been classified as a Variant of Uncertain Significance. This sequence change affects codon 1638 of the IFT172 mRNA. It is a 'silent' change, meaning that it does not change the encoded amino acid sequence of the IFT172 protein. This variant also falls at the last nucleotide of exon 45, which is part of the consensus splice site for this exon.

Literature cited by the submitters: PubMed 17576681; PubMed 9536098.